The following is an entry in ClinVar:

NM_004727.3(SLC24A1):c.1145C>T (p.Thr382Met)

Gene: SLC24A1 (solute carrier family 24 member 1; plus strand). Cytogenetic location: 15q22.31.
Variant type: single nucleotide variant.
Coding change: c.1145C>T on transcript NM_004727.3 (MANE Select); coding-DNA position 1145, C replaced by T.
Protein change: p.Thr382Met; replaces threonine 382 with methionine.
Molecular consequence: missense variant.
Genome position (GRCh38, 1-based): chr15:65,625,225, C>T. VCF-style: chr15-65625225-C-T. GRCh37 (hg19) VCF-style: chr15-65917563-C-T.
Other names: c.1145C>T, p.Thr382Met (NM_001301031.1, NM_001301032.1, NM_001301033.2); short protein forms T382M.
Identifiers: ClinVar variation 1431623 (VCV001431623.8), dbSNP rs139200508, ClinGen allele CA7619856.

ClinVar aggregate classification (germline): Uncertain significance (1 of 4 stars; one submission).

Allele frequency attached by ClinVar (database versions not stated): gnomAD 0.00002 and 0.00003; gnomAD exomes 0.00002 and 0.00006; TOPMed 0.00002; ExAC 0.00003; ESP Exome Variant Server 0.00008; 1000 Genomes Project 30x 0.00016; 1000 Genomes Project 0.00020.
gnomAD v4.1: 88 of 1,613,978 alleles (0.0055%); highest among the groups gnomAD compares: Non-Finnish European, 0.0069%; no homozygotes.

Submission:

Labcorp Genetics (formerly Invitae), Labcorp
Classification: Uncertain significance. Last evaluated: 2023-07-17. Review status: criteria provided, single submitter. Criteria: Invitae Variant Classification Sherloc (09022015). Collection method: clinical testing. Allele origin: germline.
Comment: In summary, the available evidence is currently insufficient to determine the role of this variant in disease. Therefore, it has been classified as a Variant of Uncertain Significance. Algorithms developed to predict the effect of missense changes on protein structure and function output the following: SIFT: "Not Available"; PolyPhen-2: "Benign"; Align-GVGD: "Not Available". The methionine amino acid residue is found in multiple mammalian species, which suggests that this missense change does not adversely affect protein function. ClinVar contains an entry for this variant (Variation ID: 1431623). This variant has not been reported in the literature in individuals affected with SLC24A1-related conditions. This variant is present in population databases (rs139200508, gnomAD 0.006%). This sequence change replaces threonine, which is neutral and polar, with methionine, which is neutral and non-polar, at codon 382 of the SLC24A1 protein (p.Thr382Met).